The following is an entry in ClinVar:

ClinVar aggregate classification (germline): Likely pathogenic (1 of 4 stars; one submission).

Conditions:
Holocarboxylase synthetase deficiency. Also called: MULTIPLE CARBOXYLASE DEFICIENCY, EARLY ONSET. Identifiers: Orphanet 79242, MedGen C0268581, MONDO:0009666, OMIM 253270.

Submission:

Myriad Genetics, Inc.
Classification: Likely pathogenic for Holocarboxylase synthetase deficiency. Last evaluated: 2022-04-04. Review status: criteria provided, single submitter. Criteria: Myriad Women's Health Autosomal Recessive and X-Linked Classification Criteria (2021). Collection method: clinical testing. Allele origin: unknown.
Comment: NM_000411.6(HLCS):c.1461_1462delTC(F487Lfs*89) is expected to be pathogenic in the context of holocarboxylase synthetase deficiency. This variant is predicted to lead to an abnormal or absent protein product due to the creation of a premature termination codon in HLCS, a gene where loss-of-function variants are known to be pathogenic. Please note: this variant was assessed in the context of healthy population screening.

NM_001352514.2(HLCS):c.1902_1903del (p.Phe634fs)

Gene: HLCS (holocarboxylase synthetase; minus strand). Cytogenetic location: 21q22.13.
Variant type: Deletion.
Coding change: c.1902_1903del on transcript NM_001352514.2 (MANE Select); coding-DNA positions 1902 to 1903, 2 bases deleted (TC; older notation c.1902_1903delTC).
Protein change: p.Phe634fs; shifts the reading frame from phenylalanine 634.
Molecular consequence: frameshift variant. On other transcripts: non-coding transcript variant (2).
Genome position (GRCh38, 1-based): chr21:36,767,275-36,767,276, GA deleted on the plus strand (TC on the coding strand, the reverse complement: HLCS is on the minus strand). VCF-style (leftmost placement, unchanged base first): chr21-36767274-TGA-T. GRCh37 (hg19) VCF-style: chr21-38139575-TGA-T.
Other names: c.1461_1462del, p.Phe487fs (NM_000411.8, NM_001242784.3, NM_001242785.2 and 4 more transcripts); short protein forms F487fs, F634fs.
Identifiers: ClinVar variation 1725863 (VCV001725863.2), dbSNP rs2516880424, ClinGen allele CA2580098683.